The following is an entry in ClinVar:

ClinVar aggregate classification (germline): Uncertain significance (1 of 4 stars; one submission).

Conditions:
Diffuse cerebral and cerebellar atrophy - intractable seizures - progressive microcephaly syndrome. Also called: Microcephaly, progressive, with seizures and cerebral and cerebellar atrophy. Identifiers: Orphanet 404437, MedGen C4014239, MONDO:0014335, OMIM 615760.

Allele frequency attached by ClinVar (database versions not stated): TOPMed 0.00001; ExAC 0.00002; gnomAD 0.00002.
gnomAD v4.1: 15 of 1,614,096 alleles (0.00093%); highest among the groups gnomAD compares: East Asian, 0.0045%; no homozygotes.

Submission:

Labcorp Genetics (formerly Invitae), Labcorp
Classification: Uncertain significance for Diffuse cerebral and cerebellar atrophy - intractable seizures - progressive microcephaly syndrome. Last evaluated: 2022-06-23. Review status: criteria provided, single submitter. Criteria: Invitae Variant Classification Sherloc (09022015). Collection method: clinical testing. Allele origin: germline.
Comment: This sequence change replaces valine, which is neutral and non-polar, with methionine, which is neutral and non-polar, at codon 722 of the QARS protein (p.Val722Met). This variant is present in population databases (rs781454677, gnomAD 0.004%). This variant has not been reported in the literature in individuals affected with QARS-related conditions. ClinVar contains an entry for this variant (Variation ID: 567034). Algorithms developed to predict the effect of missense changes on protein structure and function are either unavailable or do not agree on the potential impact of this missense change (SIFT: "Deleterious"; PolyPhen-2: "Probably Damaging"; Align-GVGD: "Class C0"). In summary, the available evidence is currently insufficient to determine the role of this variant in disease. Therefore, it has been classified as a Variant of Uncertain Significance.

NM_005051.3(QARS1):c.2164G>A (p.Val722Met)

Gene: QARS1 (glutaminyl-tRNA synthetase 1; minus strand). Cytogenetic location: 3p21.31.
Variant type: single nucleotide variant.
Coding change: c.2164G>A on transcript NM_005051.3 (MANE Select); coding-DNA position 2164, G replaced by A.
Protein change: p.Val722Met; replaces valine 722 with methionine.
Molecular consequence: missense variant. On other transcripts: non-coding transcript variant (1).
Genome position (GRCh38, 1-based): chr3:49,098,105, C>T on the plus strand (G>A on the coding strand, the complement: QARS1 is on the minus strand). VCF-style: chr3-49098105-C-T. GRCh37 (hg19) VCF-style: chr3-49135538-C-T.
Other names: c.2131G>A, p.Val711Met (NM_001272073.2); short protein forms V722M, V711M.
Identifiers: ClinVar variation 567034 (VCV000567034.6), dbSNP rs781454677, ClinGen allele CA2391487.